The following is an entry in ClinVar:

ClinVar aggregate classification (germline): Uncertain significance. Review status: criteria provided, multiple submitters, no conflicts (2 of 4 stars). 3 submissions from 3 submitters: Uncertain significance (3). Last evaluated 2024-03-01.

Conditions:
Hereditary cancer-predisposing syndrome. Also called: Hereditary neoplastic syndrome; Tumor predisposition; Neoplastic Syndromes, Hereditary; Hereditary Cancer Syndrome. Identifiers: Orphanet 140162, MedGen C0027672, MeSH D009386, MONDO:0015356.
Neuroblastoma, susceptibility to, 3. Also called: ALK-Related Neuroblastic Tumor Susceptibility. Identifiers: Orphanet 635, MedGen C2751681, MONDO:0013083, OMIM 613014.

Allele frequency attached by ClinVar (database versions not stated): gnomAD exomes below 0.00001.
gnomAD v4.1: 1 of 1,612,940 alleles (0.000062%); highest among the groups gnomAD compares: Non-Finnish European, 0.000085%; no homozygotes.

Submissions (3):

Ambry Genetics
Classification: Uncertain significance for Hereditary cancer-predisposing syndrome. Last evaluated: 2024-03-01. Review status: criteria provided, single submitter. Criteria: Ambry Variant Classification Scheme 2023. Collection method: clinical testing. Allele origin: germline.
Comment: The p.S545R variant (also known as c.1635C>G), located in coding exon 8 of the ALK gene, results from a C to G substitution at nucleotide position 1635. The serine at codon 545 is replaced by arginine, an amino acid with dissimilar properties. This amino acid position is conserved. In addition, this alteration is predicted to be tolerated by in silico analysis. Based on the available evidence, the clinical significance of this alteration remains unclear.

Labcorp Genetics (formerly Invitae), Labcorp
Classification: Uncertain significance for Neuroblastoma, susceptibility to, 3. Last evaluated: 2019-11-25. Review status: criteria provided, single submitter. Criteria: Invitae Variant Classification Sherloc (09022015). Collection method: clinical testing. Allele origin: germline.
Comment: This sequence change replaces serine with arginine at codon 545 of the ALK protein (p.Ser545Arg). The serine residue is weakly conserved and there is a moderate physicochemical difference between serine and arginine. This variant is not present in population databases (ExAC no frequency). This variant has not been reported in the literature in individuals with ALK-related conditions. Algorithms developed to predict the effect of missense changes on protein structure and function are either unavailable or do not agree on the potential impact of this missense change (SIFT: "Deleterious"; PolyPhen-2: "Benign"; Align-GVGD: "Class C25"). In summary, the available evidence is currently insufficient to determine the role of this variant in disease. Therefore, it has been classified as a Variant of Uncertain Significance.

GeneDx
Classification: Uncertain significance. Last evaluated: 2019-07-25. Review status: criteria provided, single submitter. Criteria: GeneDx Variant Classification Process June 2021. Collection method: clinical testing. Allele origin: germline. Affected: yes.
Comment: Not observed in large population cohorts (Lek et al., 2016); In-silico analysis, which includes splice predictors and evolutionary conservation, is inconclusive as to whether the variant alters gene splicing. In the absence of RNA/functional studies, the actual effect of this sequence change is unknown.

NM_004304.5(ALK):c.1635C>G (p.Ser545Arg)

Gene: ALK (ALK receptor tyrosine kinase; minus strand). Cytogenetic location: 2p23.2.
Variant type: single nucleotide variant.
Coding change: c.1635C>G on transcript NM_004304.5 (MANE Select); coding-DNA position 1635, C replaced by G.
Protein change: p.Ser545Arg; replaces serine 545 with arginine.
Molecular consequence: missense variant.
Genome position (GRCh38, 1-based): chr2:29,318,316, G>C on the plus strand (C>G on the coding strand, the complement: ALK is on the minus strand). VCF-style: chr2-29318316-G-C. GRCh37 (hg19) VCF-style: chr2-29541182-G-C.
Other names: short protein forms S545R.
Identifiers: ClinVar variation 854968 (VCV000854968.12), dbSNP rs1666893501, ClinGen allele CA346470847.